The following is an entry in ClinVar:

ClinVar aggregate classification (germline): Uncertain significance. Review status: criteria provided, single submitter (1 of 4 stars). 2 submissions from 2 submitters: Uncertain significance (1). 1 of the submissions does not count toward it. Last evaluated 2023-12-06.

Conditions:
Neuropathy, hereditary sensory and autonomic, type 2A (HSAN2A). Also called: HSAN IIA; ACROOSTEOLYSIS, GIACCAI TYPE; ACROOSTEOLYSIS, NEUROGENIC; MORVAN DISEASE; NEUROPATHY, CONGENITAL SENSORY; NEUROPATHY, HEREDITARY SENSORY RADICULAR, AUTOSOMAL RECESSIVE. Identifiers: Orphanet 970, MedGen C2752089, MONDO:0024309, OMIM 201300.
Generalized epilepsy with febrile seizures plus, type 7 (GEFSP7). Also called: GEFS+, TYPE 7. Identifiers: Orphanet 36387, MedGen C2751778, MONDO:0013470, OMIM 613863.
Small fiber neuropathy (SFNP). Also called: SCN9A Small Fiber Neuropathy (SCN9A-SFN). Identifiers: MedGen C3276706, MONDO:0800207.

Submissions (2):

Labcorp Genetics (formerly Invitae), Labcorp
Classification: Uncertain significance for Neuropathy, hereditary sensory and autonomic, type 2A; Generalized epilepsy with febrile seizures plus, type 7. Last evaluated: 2023-12-06. Review status: criteria provided, single submitter. Criteria: Invitae Variant Classification Sherloc (09022015). Collection method: clinical testing. Allele origin: germline.
Comment: This sequence change replaces aspartic acid, which is acidic and polar, with asparagine, which is neutral and polar, at codon 623 of the SCN9A protein (p.Asp623Asn). This variant is not present in population databases (gnomAD no frequency). This missense change has been observed in individual(s) with small fiber neuropathy (PMID: 21698661). ClinVar contains an entry for this variant (Variation ID: 30358). Advanced modeling of protein sequence and biophysical properties (such as structural, functional, and spatial information, amino acid conservation, physicochemical variation, residue mobility, and thermodynamic stability) performed at Invitae indicates that this missense variant is not expected to disrupt SCN9A protein function with a negative predictive value of 95%. Experimental studies have shown that this missense change affects SCN9A function (PMID: 21698661, 23850641). In summary, the available evidence is currently insufficient to determine the role of this variant in disease. Therefore, it has been classified as a Variant of Uncertain Significance.

OMIM
Classification: Pathogenic for NEUROPATHY, SMALL FIBER. Last evaluated: 2012-01-01. Review status: no assertion criteria provided. Collection method: literature only. Allele origin: germline. Not counted in ClinVar's aggregate classification.

Literature cited by the submitters: PubMed 21698661 (cited by Labcorp Genetics (formerly Invitae), Labcorp and OMIM); PubMed 23850641 (cited by Labcorp Genetics (formerly Invitae), Labcorp).

NM_001365536.1(SCN9A):c.1867G>A (p.Asp623Asn)

Genes: SCN1A-AS1 (SCN1A and SCN9A antisense RNA 1; plus strand), SCN9A (sodium voltage-gated channel alpha subunit 9; minus strand). Cytogenetic location: 2q24.3.
Variant type: single nucleotide variant.
Coding change: c.1867G>A on transcript NM_001365536.1 (MANE Select); coding-DNA position 1867, G replaced by A.
Protein change: p.Asp623Asn; replaces aspartic acid 623 with asparagine.
Molecular consequence: missense variant.
Genome position (GRCh38, 1-based): chr2:166,284,560, C>T on the plus strand (G>A on the coding strand, the complement: SCN9A is on the minus strand). VCF-style: chr2-166284560-C-T. GRCh37 (hg19) VCF-style: chr2-167141070-C-T.
Other names: c.1867G>A, p.Asp623Asn (NM_002977.4); short protein forms D623N.
Identifiers: ClinVar variation 30358 (VCV000030358.6), dbSNP rs200398202, ClinGen allele CA129152.